The following is an entry in ClinVar:

NM_003737.4(DCHS1):c.6262G>T (p.Val2088Phe)

Gene: DCHS1 (dachsous cadherin-related 1; minus strand). Cytogenetic location: 11p15.4.
Variant type: single nucleotide variant.
Coding change: c.6262G>T on transcript NM_003737.4 (MANE Select); coding-DNA position 6262, G replaced by T.
Protein change: p.Val2088Phe; replaces valine 2088 with phenylalanine.
Molecular consequence: missense variant.
Genome position (GRCh38, 1-based): chr11:6,626,654, C>A on the plus strand (G>T on the coding strand, the complement: DCHS1 is on the minus strand). VCF-style: chr11-6626654-C-A. GRCh37 (hg19) VCF-style: chr11-6647885-C-A.
Other names: short protein forms V2088F.
Identifiers: ClinVar variation 2393400 (VCV002393400.6), dbSNP rs752340638, ClinGen allele CA379388502.

ClinVar aggregate classification (germline): Uncertain significance. Review status: criteria provided, multiple submitters, no conflicts (2 of 4 stars). 2 submissions from 2 submitters: Uncertain significance (2). Last evaluated 2026-01-07.

Conditions:
Inborn genetic diseases. Identifiers: MedGen C0950123, MeSH D030342.

Allele frequency attached by ClinVar (database versions not stated): TOPMed 0.00004; gnomAD 0.00004.
gnomAD v4.1: 58 of 1,613,756 alleles (0.0036%); highest among the groups gnomAD compares: Non-Finnish European, 0.0048%; no homozygotes.

Submissions (2):

Labcorp Genetics (formerly Invitae), Labcorp
Classification: Uncertain significance. Last evaluated: 2026-01-07. Review status: criteria provided, single submitter. Criteria: Invitae Variant Classification Sherloc (09022015). Collection method: clinical testing. Allele origin: germline.
Comment: This sequence change replaces valine, which is neutral and non-polar, with phenylalanine, which is neutral and non-polar, at codon 2088 of the DCHS1 protein (p.Val2088Phe). This variant is present in population databases (no rsID available, gnomAD 0.002%). This variant has not been reported in the literature in individuals affected with DCHS1-related conditions. ClinVar contains an entry for this variant (Variation ID: 2393400). Invitae Evidence Modeling of protein sequence and biophysical properties (such as structural, functional, and spatial information, amino acid conservation, physicochemical variation, residue mobility, and thermodynamic stability) indicates that this missense variant is not expected to disrupt DCHS1 protein function with a negative predictive value of 80%. Algorithms developed to predict the effect of sequence changes on RNA splicing suggest that this variant may create or strengthen a splice site. In summary, the available evidence is currently insufficient to determine the role of this variant in disease. Therefore, it has been classified as a Variant of Uncertain Significance.

Ambry Genetics
Classification: Uncertain significance for Inborn genetic diseases. Last evaluated: 2024-12-30. Review status: criteria provided, single submitter. Criteria: Ambry Variant Classification Scheme 2023. Collection method: clinical testing. Allele origin: germline.